The following is an entry in ClinVar:

ClinVar aggregate classification (germline): Uncertain significance (1 of 4 stars; one submission).

Conditions:
Alagille syndrome due to a JAG1 point mutation. Also called: JAG1-Related Alagille Syndrome; Alagille Syndrome 1; HEPATIC DUCTULAR HYPOPLASIA, SYNDROMATIC. Identifiers: Orphanet 261619, Orphanet 52, MedGen C1956125, MONDO:0016862, OMIM 118450.

Allele frequency attached by ClinVar (database versions not stated): gnomAD exomes below 0.00001 and 0.00001.
gnomAD v4.1: 8 of 1,613,824 alleles (0.0005%); highest among the groups gnomAD compares: Non-Finnish European, 0.00051%; no homozygotes.

Submission:

Labcorp Genetics (formerly Invitae), Labcorp
Classification: Uncertain significance for Alagille syndrome due to a JAG1 point mutation. Last evaluated: 2019-10-16. Review status: criteria provided, single submitter. Criteria: Invitae Variant Classification Sherloc (09022015). Collection method: clinical testing. Allele origin: germline.
Comment: In summary, the available evidence is currently insufficient to determine the role of this variant in disease. Therefore, it has been classified as a Variant of Uncertain Significance. Nucleotide substitutions within the consensus splice site are a relatively common cause of aberrant splicing (PMID: 17576681, 9536098). Algorithms developed to predict the effect of sequence changes on RNA splicing suggest that this variant is not likely to affect RNA splicing, but this prediction has not been confirmed by published transcriptional studies. This variant has not been reported in the literature in individuals with JAG1-related conditions. This variant is not present in population databases (ExAC no frequency). This sequence change falls in intron 4 of the JAG1 gene. It does not directly change the encoded amino acid sequence of the JAG1 protein, but it affects a nucleotide within the consensus splice site of the intron.

Literature cited by the submitters: PubMed 17576681; PubMed 9536098.

NM_000214.3(JAG1):c.694+4T>C

Gene: JAG1 (jagged canonical Notch ligand 1; minus strand). Cytogenetic location: 20p12.2.
Variant type: single nucleotide variant.
Coding change: c.694+4T>C on transcript NM_000214.3 (MANE Select); 4 bases into the intron after coding-DNA position 694, T replaced by C.
Molecular consequence: intron variant.
Genome position (GRCh38, 1-based): chr20:10,658,464, A>G on the plus strand (T>C on the coding strand, the complement: JAG1 is on the minus strand). VCF-style: chr20-10658464-A-G. GRCh37 (hg19) VCF-style: chr20-10639112-A-G.
Identifiers: ClinVar variation 966523 (VCV000966523.9), dbSNP rs944996400, ClinGen allele CA311351493.